The following is an entry in ClinVar:

ClinVar aggregate classification (germline): Uncertain significance (1 of 4 stars; one submission).

Conditions:
Myofibrillar myopathy 5. Also called: Filaminopathy (type); FILAMINOPATHY, AUTOSOMAL DOMINANT. Identifiers: Orphanet 171445, MedGen C1836050, MONDO:0012289, OMIM 609524.
Distal myopathy with posterior leg and anterior hand involvement. Also called: WILLIAMS DISTAL MYOPATHY. Identifiers: Orphanet 63273, MedGen C3279722, MONDO:0013550, OMIM 614065.
Hypertrophic cardiomyopathy 26. Also called: Cardiomyopathy, familial hypertrophic, 26. Identifiers: Orphanet 75249, MedGen C4310749, MONDO:0014883, OMIM 617047.

Submission:

Labcorp Genetics (formerly Invitae), Labcorp
Classification: Uncertain significance for Distal myopathy with posterior leg and anterior hand involvement; Myofibrillar myopathy 5; Hypertrophic cardiomyopathy 26. Last evaluated: 2024-03-04. Review status: criteria provided, single submitter. Criteria: Invitae Variant Classification Sherloc (09022015). Collection method: clinical testing. Allele origin: germline.
Comment: This sequence change replaces proline, which is neutral and non-polar, with arginine, which is basic and polar, at codon 243 of the FLNC protein (p.Pro243Arg). This variant is not present in population databases (gnomAD no frequency). This variant has not been reported in the literature in individuals affected with FLNC-related conditions. Advanced modeling of protein sequence and biophysical properties (such as structural, functional, and spatial information, amino acid conservation, physicochemical variation, residue mobility, and thermodynamic stability) has been performed at Invitae for this missense variant, however the output from this modeling did not meet the statistical confidence thresholds required to predict the impact of this variant on FLNC protein function. In summary, the available evidence is currently insufficient to determine the role of this variant in disease. Therefore, it has been classified as a Variant of Uncertain Significance.

NM_001458.5(FLNC):c.728C>G (p.Pro243Arg)

Gene: FLNC (filamin C; plus strand). Cytogenetic location: 7q32.1.
Variant type: single nucleotide variant.
Coding change: c.728C>G on transcript NM_001458.5 (MANE Select); coding-DNA position 728, C replaced by G.
Protein change: p.Pro243Arg; replaces proline 243 with arginine.
Molecular consequence: missense variant.
Genome position (GRCh38, 1-based): chr7:128,837,426, C>G. VCF-style: chr7-128837426-C-G. GRCh37 (hg19) VCF-style: chr7-128477480-C-G.
Other names: c.728C>G, p.Pro243Arg (NM_001127487.2); short protein forms P243R.
Identifiers: ClinVar variation 3753154 (VCV003753154.2).